The following is an entry in ClinVar:

ClinVar aggregate classification (germline): Conflicting classifications of pathogenicity. Review status: criteria provided, conflicting classifications (1 of 4 stars). 8 submissions from 8 submitters: Uncertain significance (7); Likely benign (1). Last evaluated 2025-09-27.

Conditions:
Hereditary cancer-predisposing syndrome. Also called: Tumor predisposition; Hereditary neoplastic syndrome; Neoplastic Syndromes, Hereditary; Hereditary Cancer Syndrome. Identifiers: Orphanet 140162, MedGen C0027672, MeSH D009386, MONDO:0015356.
Pheochromocytoma. Also called: MAX-Related Hereditary Paraganglioma-Pheochromocytoma Syndrome. Identifiers: Orphanet 29072, MedGen C0031511, MONDO:0008233, OMIM 171300, HP:0002666.
Von Hippel-Lindau syndrome (VHLS). Also called: VHL syndrome; Von Hippel-Lindau; von Hippel–Lindau syndrome. Identifiers: Orphanet 892, MedGen C0019562, MONDO:0008667, OMIM 193300. Disease mechanism: loss of function.
Nonpapillary renal cell carcinoma. Identifiers: Orphanet 422526, MedGen CN074294, MONDO:0007763, OMIM 144700.
Chuvash polycythemia. Also called: POLYCYTHEMIA, VHL-DEPENDENT. Identifiers: Orphanet 238557, MedGen C1837915, MONDO:0009892, OMIM 263400.

Allele frequency attached by ClinVar (database versions not stated): gnomAD exomes 0.00001; TOPMed 0.00002.

Submissions (8):

Labcorp Genetics (formerly Invitae), Labcorp
Classification: Uncertain significance for Von Hippel-Lindau syndrome; Chuvash polycythemia. Last evaluated: 2025-09-27. Review status: criteria provided, single submitter. Criteria: Invitae Variant Classification Sherloc (09022015). Collection method: clinical testing. Allele origin: germline.
Comment: This sequence change replaces valine, which is neutral and non-polar, with isoleucine, which is neutral and non-polar, at codon 170 of the VHL protein (p.Val170Ile). This variant is not present in population databases (gnomAD no frequency). This variant has not been reported in the literature in individuals affected with VHL-related conditions. ClinVar contains an entry for this variant (Variation ID: 486713). Invitae Evidence Modeling of protein sequence and biophysical properties (such as structural, functional, and spatial information, amino acid conservation, physicochemical variation, residue mobility, and thermodynamic stability) indicates that this missense variant is expected to disrupt VHL protein function with a positive predictive value of 95%. In summary, the available evidence is currently insufficient to determine the role of this variant in disease. Therefore, it has been classified as a Variant of Uncertain Significance.

Color Diagnostics, LLC DBA Color Health
Classification: Uncertain significance for Von Hippel-Lindau syndrome. Last evaluated: 2025-06-11. Review status: criteria provided, single submitter. Criteria: ACMG Guidelines, 2015. Collection method: clinical testing. Allele origin: germline.
Comment: This missense variant replaces valine with isoleucine at codon 170 of the VHL protein. Computational prediction is inconclusive regarding the impact of this variant on protein structure and function. To our knowledge, functional studies have not been reported for this variant. This variant has not been reported in individuals affected with hereditary cancer in the literature. This variant has not been identified in the general population by the Genome Aggregation Database (gnomAD). A different missense variant occurring at the same codon, p.Val170Asp, is reported to be disease-causing (ClinVar variationID: 625256). The available evidence is insufficient to determine the role of this variant in disease conclusively. Therefore, this variant is classified as a Variant of Uncertain Significance.

Ambry Genetics
Classification: Likely benign for Hereditary cancer-predisposing syndrome. Last evaluated: 2025-04-24. Review status: criteria provided, single submitter. Criteria: Ambry Variant Classification Scheme 2023. Collection method: clinical testing. Allele origin: germline.

Quest Diagnostics Nichols Institute San Juan Capistrano
Classification: Uncertain significance. Last evaluated: 2024-05-07. Review status: criteria provided, single submitter. Criteria: Quest Diagnostics criteria. Collection method: clinical testing. Allele origin: unknown.

GeneDx
Classification: Uncertain significance. Last evaluated: 2024-03-08. Review status: criteria provided, single submitter. Criteria: GeneDx Variant Classification Process June 2021. Collection method: clinical testing. Allele origin: germline.
Comment: Not observed at significant frequency in large population cohorts (gnomAD); In silico analysis supports that this missense variant does not alter protein structure/function; Has not been previously published as pathogenic or benign to our knowledge

Baylor Genetics
Classification: Uncertain significance for Chuvash polycythemia. Last evaluated: 2024-02-12. Review status: criteria provided, single submitter. Criteria: ACMG Guidelines, 2015. Collection method: clinical testing. Allele origin: unknown.

Fulgent Genetics
Classification: Uncertain significance for Nonpapillary renal cell carcinoma; Pheochromocytoma; Von Hippel-Lindau syndrome; Chuvash polycythemia. Last evaluated: 2022-05-12. Review status: criteria provided, single submitter. Criteria: ACMG Guidelines, 2015. Collection method: clinical testing. Allele origin: unknown.

Sema4
Classification: Uncertain significance for Hereditary cancer-predisposing syndrome. Last evaluated: 2022-02-05. Review status: criteria provided, single submitter. Criteria: Sema4 Curation Guidelines. Collection method: curation. Allele origin: germline.
Comment: The VHL c.508G>A (p.V170I) variant has not been reported in literature to our knowledge. This variant was not reported in the population database Genome Aggregation Database (PMID: 32461654). This variant has been reported in ClinVar (Variation ID: 486713). Functional studies have not been performed, and in silico predictions of the variant's effect on protein function are inconclusive. The evidence is insufficient to meet ACMG/AMP criteria for classifying the variant as benign or pathogenic. Thus, the clinical significance of this variant is currently uncertain.

Literature cited by the submitters: PubMed 38969834 (cited by Ambry Genetics).

NM_000551.4(VHL):c.508G>A (p.Val170Ile)

Genes: VHL (von Hippel-Lindau tumor suppressor; plus strand), LOC107303340 (3p25 von Hippel-Lindau tumor suppressor, E3 ubiquitin protein ligase Alu-mediated recombination region; plus strand). Cytogenetic location: 3p25.3.
Variant type: single nucleotide variant.
Coding change: c.508G>A on transcript NM_000551.4 (MANE Select); coding-DNA position 508, G replaced by A.
Protein change: p.Val170Ile; replaces valine 170 with isoleucine.
Molecular consequence: missense variant. On other transcripts: 3 prime UTR variant (1).
Genome position (GRCh38, 1-based): chr3:10,149,831, G>A. VCF-style: chr3-10149831-G-A. GRCh37 (hg19) VCF-style: chr3-10191515-G-A.
Other names: c.*62G>A (NM_001354723.2); c.385G>A, p.Val129Ile (NM_198156.3); short protein forms V170I, V129I.
Identifiers: ClinVar variation 486713 (VCV000486713.21), dbSNP rs1553620326, ClinGen allele CA351756194.
Genomic context (GRCh38, chr3:10,149,831, plus strand): 5'-GTTTTTGCCCTTCCAGTGTATACTCTGAAAGAGCGATGCCTCCAGGTTGTCCGGAGCCTA[G>A]TCAAGCCTGAGAATTACAGGAGACTGGACATCGTCAGGTCGCTCTACGAAGATCTGGAAG-3'
Protein context (NP_000542.1, residues 160-180): ERCLQVVRSL[Val170Ile]KPENYRRLDI